The following is an entry in ClinVar:

ClinVar aggregate classification (germline): Likely pathogenic (1 of 4 stars; one submission).

Conditions:
Intellectual developmental disorder, autosomal dominant 1. Also called: Intellectual disability, autosomal dominant 1; MBD5 Haploinsufficiency. Identifiers: Orphanet 228402, MedGen C1969562, MONDO:0007974, OMIM 156200.

Submission:

Labcorp Genetics (formerly Invitae), Labcorp
Classification: Likely pathogenic for Intellectual developmental disorder, autosomal dominant 1. Last evaluated: 2023-08-28. Review status: criteria provided, single submitter. Criteria: Invitae Variant Classification Sherloc (09022015). Collection method: clinical testing. Allele origin: germline.
Comment: In summary, the currently available evidence indicates that the variant is pathogenic, but additional data are needed to prove that conclusively. Therefore, this variant has been classified as Likely Pathogenic. Algorithms developed to predict the effect of sequence changes on RNA splicing suggest that this variant may disrupt the consensus splice site. This variant has not been reported in the literature in individuals affected with MBD5-related conditions. This variant is not present in population databases (gnomAD no frequency). This sequence change affects an acceptor splice site in intron 13 of the MBD5 gene. It is expected to disrupt RNA splicing. Variants that disrupt the donor or acceptor splice site typically lead to a loss of protein function (PMID: 16199547), and loss-of-function variants in MBD5 are known to be pathogenic (PMID: 23422940, 23587880).

Literature cited by the submitters: PubMed 16199547; PubMed 23422940; PubMed 23587880.

NM_001378120.1(MBD5):c.5037-2A>G

Gene: MBD5 (methyl-CpG binding domain protein 5; plus strand). Cytogenetic location: 2q23.1.
Variant type: single nucleotide variant.
Coding change: c.5037-2A>G on transcript NM_001378120.1 (MANE Select); the canonical splice acceptor site of the intron before coding-DNA position 5037, A replaced by G.
Molecular consequence: splice acceptor variant.
Genome position (GRCh38, 1-based): chr2:148,510,058, A>G. VCF-style: chr2-148510058-A-G. GRCh37 (hg19) VCF-style: chr2-149267627-A-G.
Other names: c.4338-2A>G (NM_018328.5).
Identifiers: ClinVar variation 2755897 (VCV002755897.3), dbSNP rs2470171093, ClinGen allele CA348859134.